The following is an entry in ClinVar:

ClinVar aggregate classification (germline): Uncertain significance (1 of 4 stars; one submission).

Conditions:
Developmental and epileptic encephalopathy, 23 (DEE23). Also called: Epileptic encephalopathy, early infantile, 23. Identifiers: Orphanet 411986, MedGen C4014492, MONDO:0014371, OMIM 615859.

Allele frequency attached by ClinVar (database versions not stated): gnomAD exomes below 0.00001 and 0.00001; ExAC 0.00001; gnomAD 0.00001; TOPMed 0.00002.

Submission:

Labcorp Genetics (formerly Invitae), Labcorp
Classification: Uncertain significance for Developmental and epileptic encephalopathy, 23. Last evaluated: 2021-12-24. Review status: criteria provided, single submitter. Criteria: Invitae Variant Classification Sherloc (09022015). Collection method: clinical testing. Allele origin: germline.
Comment: This sequence change replaces serine, which is neutral and polar, with asparagine, which is neutral and polar, at codon 119 of the DOCK7 protein (p.Ser119Asn). This variant is present in population databases (rs760416190, gnomAD 0.01%). This variant has not been reported in the literature in individuals affected with DOCK7-related conditions. Algorithms developed to predict the effect of missense changes on protein structure and function (SIFT, PolyPhen-2, Align-GVGD) all suggest that this variant is likely to be tolerated. In summary, the available evidence is currently insufficient to determine the role of this variant in disease. Therefore, it has been classified as a Variant of Uncertain Significance.

NM_001367561.1(DOCK7):c.356G>A (p.Ser119Asn)

Gene: DOCK7 (dedicator of cytokinesis 7; minus strand). Cytogenetic location: 1p31.3.
Variant type: single nucleotide variant.
Coding change: c.356G>A on transcript NM_001367561.1 (MANE Select); coding-DNA position 356, G replaced by A.
Protein change: p.Ser119Asn; replaces serine 119 with asparagine.
Molecular consequence: missense variant.
Genome position (GRCh38, 1-based): chr1:62,653,758, C>T on the plus strand (G>A on the coding strand, the complement: DOCK7 is on the minus strand). VCF-style: chr1-62653758-C-T. GRCh37 (hg19) VCF-style: chr1-63119429-C-T.
Other names: c.356G>A, p.Ser119Asn (NM_001271999.2, NM_001272000.2, NM_001272001.2 and 3 more transcripts); short protein forms S119N.
Identifiers: ClinVar variation 1472849 (VCV001472849.3), dbSNP rs760416190, ClinGen allele CA887204.
Genomic context (GRCh38, chr1:62,653,758, plus strand): 5'-AAATGTTGTAATAAACATATAACTTACTTTCTGATGACAATTGCCCAGTCTTCTGTATAA[C>T]TTCTTATACAGTCTCTAACATGTGGATCCATTTCACTATTTTAAAAAGGAAAATACATTT-3'
Protein context (NP_001354490.1, residues 109-129): MDPHVRDCIR[Ser119Asn]YTEDWAIVIR